The following is an entry in ClinVar:

ClinVar aggregate classification (germline): Conflicting classifications of pathogenicity. Review status: criteria provided, conflicting classifications (1 of 4 stars). 2 submissions from 2 submitters: Uncertain significance (1); Likely benign (1). Last evaluated 2023-01-05.

Conditions:
Candidiasis, familial, 8 (CANDF8). Identifiers: Orphanet 1334, MedGen C3714992, MONDO:0014230, OMIM 615527.

Allele frequency attached by ClinVar (database versions not stated): ESP Exome Variant Server 0.00008.

Submissions (2):

Labcorp Genetics (formerly Invitae), Labcorp
Classification: Uncertain significance for Candidiasis, familial, 8. Last evaluated: 2023-01-05. Review status: criteria provided, single submitter. Criteria: Invitae Variant Classification Sherloc (09022015). Collection method: clinical testing. Allele origin: germline.
Comment: ClinVar contains an entry for this variant (Variation ID: 1361311). In summary, the available evidence is currently insufficient to determine the role of this variant in disease. Therefore, it has been classified as a Variant of Uncertain Significance. Advanced modeling of protein sequence and biophysical properties (such as structural, functional, and spatial information, amino acid conservation, physicochemical variation, residue mobility, and thermodynamic stability) performed at Invitae indicates that this missense variant is not expected to disrupt TRAF3IP2 protein function. This variant has not been reported in the literature in individuals affected with TRAF3IP2-related conditions. This variant is present in population databases (rs369345925, gnomAD 0.03%). This sequence change replaces proline, which is neutral and non-polar, with leucine, which is neutral and non-polar, at codon 28 of the TRAF3IP2 protein (p.Pro28Leu).

Ambry Genetics
Classification: Likely benign. Last evaluated: 2022-04-13. Review status: criteria provided, single submitter. Criteria: Ambry Variant Classification Scheme 2023. Collection method: clinical testing. Allele origin: germline.

NM_147686.4(TRAF3IP2):c.83C>T (p.Pro28Leu)

Genes: TRAF3IP2 (TRAF3 interacting protein 2; minus strand), TRAF3IP2-AS1 (TRAF3IP2 antisense RNA 1; plus strand). Cytogenetic location: 6q21.
Variant type: single nucleotide variant.
Coding change: c.83C>T on transcript NM_147686.4 (MANE Select); coding-DNA position 83, C replaced by T.
Protein change: p.Pro28Leu; replaces proline 28 with leucine.
Molecular consequence: missense variant.
Genome position (GRCh38, 1-based): chr6:111,592,004, G>A on the plus strand (C>T on the coding strand, the complement: TRAF3IP2 is on the minus strand). VCF-style: chr6-111592004-G-A. GRCh37 (hg19) VCF-style: chr6-111913207-G-A.
Other names: c.83C>T, p.Pro28Leu (NM_001164281.3); c.110C>T, p.Pro37Leu (NM_147200.3); c.83C>T (NM_147686.2); short protein forms P28L, P37L.
Identifiers: ClinVar variation 1361311 (VCV001361311.9), dbSNP rs369345925, ClinGen allele CA3963385.